The following is an entry in ClinVar:

ClinVar aggregate classification (germline): Uncertain significance. Review status: criteria provided, multiple submitters, no conflicts (2 of 4 stars). 2 submissions from 2 submitters: Uncertain significance (2). Last evaluated 2024-05-23.

Conditions:
Inborn genetic diseases. Identifiers: MedGen C0950123, MeSH D030342.

Allele frequency attached by ClinVar (database versions not stated): TOPMed below 0.00001; gnomAD exomes 0.00001; ExAC 0.00002.

Submissions (2):

Ambry Genetics
Classification: Uncertain significance for Inborn genetic diseases. Last evaluated: 2024-05-23. Review status: criteria provided, single submitter. Criteria: Ambry Variant Classification Scheme 2023. Collection method: clinical testing. Allele origin: germline.

Labcorp Genetics (formerly Invitae), Labcorp
Classification: Uncertain significance. Last evaluated: 2022-08-10. Review status: criteria provided, single submitter. Criteria: Invitae Variant Classification Sherloc (09022015). Collection method: clinical testing. Allele origin: germline.
Comment: This sequence change replaces arginine, which is basic and polar, with tryptophan, which is neutral and slightly polar, at codon 110 of the GPAA1 protein (p.Arg110Trp). This variant is present in population databases (rs782794855, gnomAD 0.01%). This variant has not been reported in the literature in individuals affected with GPAA1-related conditions. ClinVar contains an entry for this variant (Variation ID: 1389454). Algorithms developed to predict the effect of missense changes on protein structure and function are either unavailable or do not agree on the potential impact of this missense change (SIFT: "Deleterious"; PolyPhen-2: "Possibly Damaging"; Align-GVGD: "Class C0"). In summary, the available evidence is currently insufficient to determine the role of this variant in disease. Therefore, it has been classified as a Variant of Uncertain Significance.

NM_003801.4(GPAA1):c.328C>T (p.Arg110Trp)

Gene: GPAA1 (glycosylphosphatidylinositol anchor attachment 1; plus strand). Cytogenetic location: 8q24.3.
Variant type: single nucleotide variant.
Coding change: c.328C>T on transcript NM_003801.4 (MANE Select); coding-DNA position 328, C replaced by T.
Protein change: p.Arg110Trp; replaces arginine 110 with tryptophan.
Molecular consequence: missense variant.
Genome position (GRCh38, 1-based): chr8:144,083,462, C>T. VCF-style: chr8-144083462-C-T. GRCh37 (hg19) VCF-style: chr8-145138365-C-T.
Other names: c.328C>T (NM_003801.3); short protein forms R110W.
Identifiers: ClinVar variation 1389454 (VCV001389454.4), dbSNP rs782794855, ClinGen allele CA4932773.